The following is an entry in ClinVar:

ClinVar aggregate classification (germline): Uncertain significance (1 of 4 stars; one submission).

Conditions:
Mitochondrial DNA depletion syndrome 13. Also called: FBXL4-Related Encephalomyopathic Mitochondrial DNA Depletion Syndrome; Mitochondrial DNA depletion syndrome 13 (encephalomyopathic type). Identifiers: Orphanet 369897, MedGen C3809592, MONDO:0014198, OMIM 615471.

Allele frequency attached by ClinVar (database versions not stated): gnomAD exomes below 0.00001; ExAC 0.00001.
gnomAD v4.1: 1 of 1,612,990 alleles (0.000062%); highest among the groups gnomAD compares: South Asian, 0.0011%; no homozygotes.

Submission:

Wong Mito Lab, Molecular and Human Genetics, Baylor College of Medicine
Classification: Uncertain significance for Mitochondrial DNA depletion syndrome 13. Last evaluated: 2017-08-10. Review status: criteria provided, single submitter. Criteria: ACMG Guidelines, 2015. Collection method: reference population. Allele origin: germline.
Comment: The NM_012160.4:c.559C>A (NP_036292.2:p.Gln187Lys) [GRCH38: NC_000006.12:g.98917673G>T] variant in FBXL4 gene is interpretated to be a Uncertain Significance - Conflicting Evidence based on ACMG guidelines (PMID: 25741868). This variant meets one or more of the following evidence codes reported in the ACMG-guideline. PM2:This variant is absent in key population databases. BP4:Computational evidence/predictors indicate no impact on the FBXL4 structure, function, or protein-protein interaction. Based on this evidence code ClinGen Pathogenicity Calculator (PMID:28081714) suggested that the variant is Uncertain Significance - Conflicting Evidence.

NM_001278716.2(FBXL4):c.559C>A (p.Gln187Lys)

Gene: FBXL4 (F-box and leucine rich repeat protein 4; minus strand). Cytogenetic location: 6q16.2.
Variant type: single nucleotide variant.
Coding change: c.559C>A on transcript NM_001278716.2 (MANE Select); coding-DNA position 559, C replaced by A.
Protein change: p.Gln187Lys; replaces glutamine 187 with lysine.
Molecular consequence: missense variant.
Genome position (GRCh38, 1-based): chr6:98,917,673, G>T on the plus strand (C>A on the coding strand, the complement: FBXL4 is on the minus strand). VCF-style: chr6-98917673-G-T. GRCh37 (hg19) VCF-style: chr6-99365549-G-T.
Other names: c.559C>A, p.Gln187Lys (NM_012160.5); short protein forms Q187K.
Identifiers: ClinVar variation 437598 (VCV000437598.1), dbSNP rs762351010, ClinGen allele CA3933655.